The following is an entry in ClinVar:

ClinVar aggregate classification (germline): Conflicting classifications of pathogenicity. Review status: criteria provided, conflicting classifications (1 of 4 stars). 2 submissions from 2 submitters: Uncertain significance (1); Likely benign (1). Last evaluated 2025-07-24.

Conditions:
Multiple endocrine neoplasia, type 2 (MEN2). Identifiers: Orphanet 653, MedGen C4048306, MONDO:0019003. Disease mechanism: gain of function.
Hereditary cancer-predisposing syndrome. Also called: Hereditary neoplastic syndrome; Tumor predisposition; Neoplastic Syndromes, Hereditary; Hereditary Cancer Syndrome. Identifiers: Orphanet 140162, MedGen C0027672, MeSH D009386, MONDO:0015356.

Submissions (2):

Ambry Genetics
Classification: Likely benign for Hereditary cancer-predisposing syndrome. Last evaluated: 2025-07-24. Review status: criteria provided, single submitter. Criteria: Ambry Variant Classification Scheme 2023. Collection method: clinical testing. Allele origin: germline.

Labcorp Genetics (formerly Invitae), Labcorp
Classification: Uncertain significance for Multiple endocrine neoplasia, type 2. Last evaluated: 2018-07-11. Review status: criteria provided, single submitter. Criteria: Invitae Variant Classification Sherloc (09022015). Collection method: clinical testing. Allele origin: germline.
Comment: In summary, the available evidence is currently insufficient to determine the role of this variant in disease. Therefore, it has been classified as a Variant of Uncertain Significance. Algorithms developed to predict the effect of missense changes on protein structure and function output the following: SIFT: "Deleterious"; PolyPhen-2: "Benign"; Align-GVGD: "Class C0". The alanine amino acid residue is found in multiple mammalian species, suggesting that this missense change does not adversely affect protein function. These predictions have not been confirmed by published functional studies and their clinical significance is uncertain. This variant has not been reported in the literature in individuals with RET-related disease. While this variant is not present in population databases, the frequency information is unreliable, as metrics indicate poor data quality at this position in the ExAC database. This sequence change replaces serine with alanine at codon 6 of the RET protein (p.Ser6Ala). The serine residue is weakly conserved and there is a moderate physicochemical difference between serine and alanine.

NM_020975.6(RET):c.16T>G (p.Ser6Ala)

Genes: RET (ret proto-oncogene; plus strand), LOC106736614 (RET 5' regulatory region; plus strand). Cytogenetic location: 10q11.21.
Variant type: single nucleotide variant.
Coding change: c.16T>G on transcript NM_020975.6 (MANE Select); coding-DNA position 16, T replaced by G.
Protein change: p.Ser6Ala; replaces serine 6 with alanine.
Molecular consequence: missense variant.
Genome position (GRCh38, 1-based): chr10:43,077,274, T>G. VCF-style: chr10-43077274-T-G. GRCh37 (hg19) VCF-style: chr10-43572722-T-G.
Other names: c.16T>G, p.Ser6Ala (NM_000323.2, NM_001406743.1, NM_001406744.1 and 38 more transcripts); short protein forms S6A.
Identifiers: ClinVar variation 655125 (VCV000655125.10), dbSNP rs1588848475, ClinGen allele CA376768026.